The following is an entry in ClinVar:

ClinVar aggregate classification (germline): Uncertain significance (1 of 4 stars; one submission).

gnomAD v4.1: 1 of 1,614,094 alleles (0.000062%); highest among the groups gnomAD compares: Non-Finnish European, 0.000085%; no homozygotes.

Submission:

GeneDx
Classification: Uncertain significance. Last evaluated: 2025-02-24. Review status: criteria provided, single submitter. Criteria: GeneDx Variant Classification Process June 2021. Collection method: clinical testing. Allele origin: germline. Affected: yes.
Comment: Not observed at significant frequency in large population cohorts (gnomAD); In silico analysis indicates that this missense variant does not alter protein structure/function; Has not been previously published as pathogenic or benign to our knowledge

NM_005068.3(SIM1):c.1947C>A (p.Asp649Glu)

Gene: SIM1 (SIM bHLH transcription factor 1; minus strand). Cytogenetic location: 6q16.3.
Variant type: single nucleotide variant.
Coding change: c.1947C>A on transcript NM_005068.3 (MANE Select); coding-DNA position 1947, C replaced by A.
Protein change: p.Asp649Glu; replaces aspartic acid 649 with glutamic acid.
Molecular consequence: missense variant.
Genome position (GRCh38, 1-based): chr6:100,390,715, G>T on the plus strand (C>A on the coding strand, the complement: SIM1 is on the minus strand). VCF-style: chr6-100390715-G-T. GRCh37 (hg19) VCF-style: chr6-100838591-G-T.
Other names: c.1947C>A, p.Asp649Glu (NM_001374769.1); short protein forms D649E.
Identifiers: ClinVar variation 4076543 (VCV004076543.1).
Genomic context (GRCh38, chr6:100,390,715, plus strand): 5'-GGATTTTGAAATGCGATCCGAATTGGGACTACTTATCCGAGATAGTGCGGTGGGACTGTT[G>T]TCATAGTCATTTTCATGGGGGCTCAACATTTTTCCCTCTCTCTGCTGGATATGGTCACAT-3'
Protein context (NP_005059.2, residues 639-659): KMLSPHENDY[Asp649Glu]NSPTALSRIS